The following is an entry in ClinVar:

ClinVar aggregate classification (germline): Uncertain significance (1 of 4 stars; one submission).

Conditions:
Glycine encephalopathy. Also called: Nonketotic hyperglycinemia; Non-ketotic hyperglycinemia. Identifiers: Orphanet 407, MedGen C0751748, MONDO:0011612, HP:0008288.

Allele frequency attached by ClinVar (database versions not stated): gnomAD exomes below 0.00001.
gnomAD v4.1: 1 of 1,605,946 alleles (0.000062%); highest among the groups gnomAD compares: Non-Finnish European, 0.000085%; no homozygotes.

Submission:

Labcorp Genetics (formerly Invitae), Labcorp
Classification: Uncertain significance for Glycine encephalopathy. Last evaluated: 2022-09-06. Review status: criteria provided, single submitter. Criteria: Invitae Variant Classification Sherloc (09022015). Collection method: clinical testing. Allele origin: germline.
Comment: In summary, the available evidence is currently insufficient to determine the role of this variant in disease. Therefore, it has been classified as a Variant of Uncertain Significance. Advanced modeling of protein sequence and biophysical properties (such as structural, functional, and spatial information, amino acid conservation, physicochemical variation, residue mobility, and thermodynamic stability) performed at Invitae indicates that this missense variant is expected to disrupt GLDC protein function. ClinVar contains an entry for this variant (Variation ID: 942850). This variant has not been reported in the literature in individuals affected with GLDC-related conditions. This variant is not present in population databases (gnomAD no frequency). This sequence change replaces valine, which is neutral and non-polar, with leucine, which is neutral and non-polar, at codon 859 of the GLDC protein (p.Val859Leu).

NM_000170.3(GLDC):c.2575G>T (p.Val859Leu)

Gene: GLDC (glycine decarboxylase; minus strand). Cytogenetic location: 9p24.1.
Variant type: single nucleotide variant.
Coding change: c.2575G>T on transcript NM_000170.3 (MANE Select); coding-DNA position 2575, G replaced by T.
Protein change: p.Val859Leu; replaces valine 859 with leucine.
Molecular consequence: missense variant.
Genome position (GRCh38, 1-based): chr9:6,540,141, C>A on the plus strand (G>T on the coding strand, the complement: GLDC is on the minus strand). VCF-style: chr9-6540141-C-A. GRCh37 (hg19) VCF-style: chr9-6540141-C-A.
Other names: short protein forms V859L.
Identifiers: ClinVar variation 942850 (VCV000942850.10), dbSNP rs1817224485, ClinGen allele CA372883782.